The following is an entry in ClinVar:

ClinVar aggregate classification (germline): Uncertain significance (1 of 4 stars; one submission).

Conditions:
Oto-palato-digital syndrome, type II (OPD2). Also called: FACIOPALATOOSSEOUS SYNDROME; OPD II SYNDROME; Otopalatodigital Syndrome, Type II; Otopalatodigital Syndrome Type 2 (FLNA-OPD2). Identifiers: Orphanet 669, Orphanet 90652, MedGen C1844696, MONDO:0010571, OMIM 304120.
Heterotopia, periventricular, X-linked dominant (PVNH1). Also called: PERIVENTRICULAR NODULAR HETEROTOPIA 1; X-linked periventricular heterotopia; PERIVENTRICULAR NODULAR HETEROTOPIA 4; HETEROTOPIA, PERIVENTRICULAR, 1. Identifiers: Orphanet 2149, Orphanet 82004, MedGen C1848213, MONDO:0010233, OMIM 300049.
Frontometaphyseal dysplasia (FMD1). Identifiers: Orphanet 1826, MedGen C0265293, MONDO:0015942.
Melnick-Needles syndrome (MNS). Also called: MELNICK-NEEDLES OSTEODYSPLASTY; OSTEODYSPLASTY OF MELNICK AND NEEDLES; Melnick-Needles Syndrome (FLNA-MNS). Identifiers: Orphanet 2484, MedGen C0025237, MONDO:0010650, OMIM 309350.

Allele frequency attached by ClinVar (database versions not stated): TOPMed below 0.00001; gnomAD 0.00001.
gnomAD v4.1: 1 of 1,208,089 alleles (0.000083%); highest among the groups gnomAD compares: African/African-American, 0.0018%; no homozygotes.

Submission:

Labcorp Genetics (formerly Invitae), Labcorp
Classification: Uncertain significance for Oto-palato-digital syndrome, type II; Heterotopia, periventricular, X-linked dominant; Frontometaphyseal dysplasia; Melnick-Needles syndrome. Last evaluated: 2023-01-31. Review status: criteria provided, single submitter. Criteria: Invitae Variant Classification Sherloc (09022015). Collection method: clinical testing. Allele origin: germline.
Comment: In summary, the available evidence is currently insufficient to determine the role of this variant in disease. Therefore, it has been classified as a Variant of Uncertain Significance. Advanced modeling of protein sequence and biophysical properties (such as structural, functional, and spatial information, amino acid conservation, physicochemical variation, residue mobility, and thermodynamic stability) performed at Invitae indicates that this missense variant is not expected to disrupt FLNA protein function. This variant has not been reported in the literature in individuals affected with FLNA-related conditions. This variant is not present in population databases (gnomAD no frequency). This sequence change replaces proline, which is neutral and non-polar, with serine, which is neutral and polar, at codon 680 of the FLNA protein (p.Pro680Ser).

NM_001110556.2(FLNA):c.2038C>T (p.Pro680Ser)

Gene: FLNA (filamin A; minus strand). Cytogenetic location: Xq28.
Variant type: single nucleotide variant.
Coding change: c.2038C>T on transcript NM_001110556.2 (MANE Select); coding-DNA position 2038, C replaced by T.
Protein change: p.Pro680Ser; replaces proline 680 with serine.
Molecular consequence: missense variant.
Genome position (GRCh38, 1-based): chrX:154,364,357, G>A on the plus strand (C>T on the coding strand, the complement: FLNA is on the minus strand). VCF-style: chrX-154364357-G-A. GRCh37 (hg19) VCF-style: chrX-153592725-G-A.
Other names: c.2038C>T, p.Pro680Ser (NM_001456.4); short protein forms P680S.
Identifiers: ClinVar variation 2943774 (VCV002943774.3), dbSNP rs1244390170, ClinGen allele CA415239045.